The following is an entry in ClinVar:

ClinVar aggregate classification (germline): Uncertain significance (1 of 4 stars; one submission).

Conditions:
Frasier syndrome. Identifiers: Orphanet 347, MedGen C0950122, MeSH D052159, MONDO:0007635, OMIM 136680.
Drash syndrome (DDS). Also called: WILMS TUMOR AND PSEUDO- OR TRUE HERMAPHRODITISM; NEPHROPATHY, WILMS TUMOR, AND GENITAL ANOMALIES. Identifiers: Orphanet 220, MedGen C0950121, MONDO:0008682, OMIM 194080.
Wilms tumor 1 (WT1). Also called: Wilms tumor, somatic. Identifiers: Orphanet 654, MedGen CN033288, MONDO:0008679, OMIM 194070.
11p partial monosomy syndrome (WAGR). Also called: WAGR Complex; WAGR syndrome; CHROMOSOME 11p13 DELETION SYNDROME; WAGR Spectrum Disorder. Identifiers: Orphanet 893, MedGen C0206115, MONDO:0008681, OMIM 194072.

Submission:

Labcorp Genetics (formerly Invitae), Labcorp
Classification: Uncertain significance for Wilms tumor 1; Drash syndrome; 11p partial monosomy syndrome; Frasier syndrome. Last evaluated: 2021-04-11. Review status: criteria provided, single submitter. Criteria: Invitae Variant Classification Sherloc (09022015). Collection method: clinical testing. Allele origin: germline.
Comment: In summary, the available evidence is currently insufficient to determine the role of this variant in disease. Therefore, it has been classified as a Variant of Uncertain Significance. Algorithms developed to predict the effect of missense changes on protein structure and function (SIFT, PolyPhen-2, Align-GVGD) all suggest that this variant is likely to be disruptive, but these predictions have not been confirmed by published functional studies and their clinical significance is uncertain. This variant has not been reported in the literature in individuals with WT1-related conditions. This variant is not present in population databases (ExAC no frequency). This sequence change replaces alanine with valine at codon 375 of the WT1 protein (p.Ala375Val). The alanine residue is highly conserved and there is a small physicochemical difference between alanine and valine.

NM_024426.6(WT1):c.1139C>T (p.Ala380Val)

Gene: WT1 (WT1 transcription factor; minus strand). Cytogenetic location: 11p13.
Variant type: single nucleotide variant.
Coding change: c.1139C>T on transcript NM_024426.6 (MANE Select); coding-DNA position 1139, C replaced by T.
Protein change: p.Ala380Val; replaces alanine 380 with valine.
Molecular consequence: missense variant. On other transcripts: 5 prime UTR variant (1), non-coding transcript variant (1).
Genome position (GRCh38, 1-based): chr11:32,396,382, G>A on the plus strand (C>T on the coding strand, the complement: WT1 is on the minus strand). VCF-style: chr11-32396382-G-A. GRCh37 (hg19) VCF-style: chr11-32417928-G-A.
Other names: c.1088C>T, p.Ala363Val (NM_000378.6, NM_001407045.1, NM_001407048.1 and 1 more transcripts); c.488C>T, p.Ala163Val (NM_001198551.2); c.437C>T, p.Ala146Val (NM_001198552.2); c.-50C>T (NM_001367854.1); c.1133C>T, p.Ala378Val (NM_001407044.1); c.1139C>T, p.Ala380Val (NM_001407046.1, NM_024424.5); c.1016C>T, p.Ala339Val (NM_001407047.1); c.965C>T, p.Ala322Val (NM_001407050.1); and 2 more; short protein forms A146V, A380V, A163V, A363V, A358V, A378V, A322V, A375V.
Identifiers: ClinVar variation 1360774 (VCV001360774.9), dbSNP rs2132941654, ClinGen allele CA379960036.